The following is an entry in ClinVar:

NM_003128.3(SPTBN1):c.474G>C (p.Gln158His)

Gene: SPTBN1 (spectrin beta, non-erythrocytic 1; plus strand). Cytogenetic location: 2p16.2.
Variant type: single nucleotide variant.
Coding change: c.474G>C on transcript NM_003128.3 (MANE Select); coding-DNA position 474, G replaced by C.
Protein change: p.Gln158His; replaces glutamine 158 with histidine.
Molecular consequence: missense variant.
Genome position (GRCh38, 1-based): chr2:54,612,334, G>C. VCF-style: chr2-54612334-G-C. GRCh37 (hg19) VCF-style: chr2-54839471-G-C.
Other names: c.435G>C, p.Gln145His (NM_178313.3); short protein forms Q145H, Q158H.
Identifiers: ClinVar variation 3731207 (VCV003731207.1).

ClinVar aggregate classification (germline): Uncertain significance (1 of 4 stars; one submission).

Submission:

GeneDx
Classification: Uncertain significance. Last evaluated: 2024-08-13. Review status: criteria provided, single submitter. Criteria: GeneDx Variant Classification Process June 2021. Collection method: clinical testing. Allele origin: germline. Affected: yes.
Comment: Not observed at significant frequency in large population cohorts (gnomAD); In silico analysis supports that this missense variant has a deleterious effect on protein structure/function; Has not been previously published as pathogenic or benign to our knowledge; In silico analysis suggests this variant may impact gene splicing. In the absence of RNA/functional studies, the actual effect of this sequence change is unknown.